The following is an entry in ClinVar:

NM_015559.3(SETBP1):c.3023G>T (p.Arg1008Leu)

Gene: SETBP1 (SET binding protein 1; plus strand). Cytogenetic location: 18q12.3.
Variant type: single nucleotide variant.
Coding change: c.3023G>T on transcript NM_015559.3 (MANE Select); coding-DNA position 3023, G replaced by T.
Protein change: p.Arg1008Leu; replaces arginine 1008 with leucine.
Molecular consequence: missense variant.
Genome position (GRCh38, 1-based): chr18:44,952,363, G>T. VCF-style: chr18-44952363-G-T. GRCh37 (hg19) VCF-style: chr18-42532328-G-T.
Other names: c.3023G>T, p.Arg1008Leu (NM_001379141.1, NM_001379142.1, NM_001410862.1); short protein forms R1008L.
Identifiers: ClinVar variation 1933278 (VCV001933278.5), dbSNP rs760902522, ClinGen allele CA402322996.
Genomic context (GRCh38, chr18:44,952,363, plus strand): 5'-TTAATTTTGATCACTATTACCCGGTGCCATATATCCAGTATGACCCGTTGCTCTATCTTC[G>T]TAGGACTTCAGACTTGAAGTCAAAGAAGAAGCGTGGTAGGCCTGCAAAAACCAATGACAC-3'
Protein context (NP_056374.2, residues 998-1018): YIQYDPLLYL[Arg1008Leu]RTSDLKSKKK

ClinVar aggregate classification (germline): Uncertain significance (1 of 4 stars; one submission).

gnomAD v4.1: 4 of 1,613,926 alleles (0.00025%); highest among the groups gnomAD compares: Non-Finnish European, 0.00034%; no homozygotes.

Submission:

Labcorp Genetics (formerly Invitae), Labcorp
Classification: Uncertain significance. Last evaluated: 2025-01-15. Review status: criteria provided, single submitter. Criteria: Invitae Variant Classification Sherloc (09022015). Collection method: clinical testing. Allele origin: germline.
Comment: This sequence change replaces arginine, which is basic and polar, with leucine, which is neutral and non-polar, at codon 1008 of the SETBP1 protein (p.Arg1008Leu). This variant is not present in population databases (gnomAD no frequency). This variant has not been reported in the literature in individuals affected with SETBP1-related conditions. ClinVar contains an entry for this variant (Variation ID: 1933278). Invitae Evidence Modeling of protein sequence and biophysical properties (such as structural, functional, and spatial information, amino acid conservation, physicochemical variation, residue mobility, and thermodynamic stability) indicates that this missense variant is expected to disrupt SETBP1 protein function with a positive predictive value of 80%. In summary, the available evidence is currently insufficient to determine the role of this variant in disease. Therefore, it has been classified as a Variant of Uncertain Significance.